The following is an entry in ClinVar:

ClinVar aggregate classification (germline): Benign (1 of 4 stars; one submission).

Allele frequency attached by ClinVar (database versions not stated): gnomAD 0.02873; 1000 Genomes Project 0.02955; 1000 Genomes Project 30x 0.03186; TOPMed 0.03260.
gnomAD v4.1: 4,332 of 152,282 alleles (2.8%); highest among the groups gnomAD compares: African/African-American, 9.9%; 220 homozygotes.

Submission:

GeneDx
Classification: Benign. Last evaluated: 2018-06-16. Review status: criteria provided, single submitter. Criteria: GeneDx Variant Classification (06012015). Collection method: clinical testing. Allele origin: germline. Affected: yes.
Comment: This variant is considered likely benign or benign based on one or more of the following criteria: it is a conservative change, it occurs at a poorly conserved position in the protein, it is predicted to be benign by multiple in silico algorithms, and/or has population frequency not consistent with disease.

NM_004369.4(COL6A3):c.7093-243C>G

Gene: COL6A3 (collagen type VI alpha 3 chain; minus strand). Cytogenetic location: 2q37.3.
Variant type: single nucleotide variant.
Coding change: c.7093-243C>G on transcript NM_004369.4 (MANE Select); 243 bases into the intron before coding-DNA position 7093, C replaced by G.
Molecular consequence: intron variant.
Genome position (GRCh38, 1-based): chr2:237,345,456, G>C on the plus strand (C>G on the coding strand, the complement: COL6A3 is on the minus strand). VCF-style: chr2-237345456-G-C. GRCh37 (hg19) VCF-style: chr2-238254099-G-C.
Other names: c.5272-243C>G (NM_057166.5); c.6475-243C>G (NM_057167.4).
Identifiers: ClinVar variation 678228 (VCV000678228.1), dbSNP rs75846208, ClinGen allele CA67840219.